The following is an entry in ClinVar:

NM_004218.4(RAB11B):c.*7C>T

Gene: RAB11B (RAB11B, member RAS oncogene family; plus strand). Cytogenetic location: 19p13.2.
Variant type: single nucleotide variant.
Coding change: c.*7C>T on transcript NM_004218.4 (MANE Select); 7 bases downstream of the stop codon, C replaced by T.
Molecular consequence: 3 prime UTR variant.
Genome position (GRCh38, 1-based): chr19:8,403,565, C>T. VCF-style: chr19-8403565-C-T. GRCh37 (hg19) VCF-style: chr19-8468449-C-T.
Identifiers: ClinVar variation 3047758 (VCV003047758.2), dbSNP rs373539999, ClinGen allele CA9156448.

ClinVar aggregate classification (germline): Likely benign (0 of 4 stars; one submission).

Conditions:
RAB11B-related disorder. Also called: RAB11B-related condition.

Allele frequency attached by ClinVar (database versions not stated): ExAC 0.00003; gnomAD exomes 0.00003; gnomAD 0.00004; ESP Exome Variant Server 0.00008; TOPMed 0.00008.

Submission:

PreventionGenetics, part of Exact Sciences
Classification: Likely benign for RAB11B-related condition. Last evaluated: 2019-03-07. Review status: no assertion criteria provided. Collection method: clinical testing. Allele origin: germline.
Comment: This variant is classified as likely benign based on ACMG/AMP sequence variant interpretation guidelines (Richards et al. 2015 PMID: 25741868, with internal and published modifications).